The following is an entry in ClinVar:

ClinVar aggregate classification (germline): Uncertain significance (1 of 4 stars; one submission).

Conditions:
Developmental and epileptic encephalopathy, 42 (DEE42A). Also called: Epileptic encephalopathy, early infantile, 42; DEVELOPMENTAL AND EPILEPTIC ENCEPHALOPATHY 42A; EPILEPTIC ENCEPHALOPATHY, EARLY INFANTILE, 42A. Identifiers: MedGen C4310716, MONDO:0014917, OMIM 617106.
Episodic ataxia type 2 (EA2). Also called: CEREBELLAR ATAXIA, PAROXYSMAL, ACETAZOLAMIDE-RESPONSIVE; CEREBELLOPATHY, HEREDITARY PAROXYSMAL; EPISODIC ATAXIA, NYSTAGMUS-ASSOCIATED; ATAXIA, EPISODIC, WITH NYSTAGMUS; ATAXIA, FAMILIAL PAROXYSMAL; ACETAZOLAMIDE-RESPONSIVE HEREDITARY PAROXYSMAL CEREBELLAR ATAXIA. Identifiers: Orphanet 97, MedGen C1720416, MONDO:0007163, OMIM 108500.

Allele frequency attached by ClinVar (database versions not stated): gnomAD exomes below 0.00001.
gnomAD v4.1: 1 of 1,595,718 alleles (0.000063%); highest among the groups gnomAD compares: South Asian, 0.0011%; no homozygotes.

Submission:

Labcorp Genetics (formerly Invitae), Labcorp
Classification: Uncertain significance for Developmental and epileptic encephalopathy, 42; Episodic ataxia type 2. Last evaluated: 2023-04-15. Review status: criteria provided, single submitter. Criteria: Invitae Variant Classification Sherloc (09022015). Collection method: clinical testing. Allele origin: germline.
Comment: This sequence change replaces glycine, which is neutral and non-polar, with serine, which is neutral and polar, at codon 1035 of the CACNA1A protein (p.Gly1035Ser). In summary, the available evidence is currently insufficient to determine the role of this variant in disease. Therefore, it has been classified as a Variant of Uncertain Significance. Advanced modeling of protein sequence and biophysical properties (such as structural, functional, and spatial information, amino acid conservation, physicochemical variation, residue mobility, and thermodynamic stability) performed at Invitae indicates that this missense variant is not expected to disrupt CACNA1A protein function. ClinVar contains an entry for this variant (Variation ID: 641156). This variant has not been reported in the literature in individuals affected with CACNA1A-related conditions. This variant is not present in population databases (gnomAD no frequency).

NM_001127222.2(CACNA1A):c.3100G>A (p.Gly1034Ser)

Gene: CACNA1A (calcium voltage-gated channel subunit alpha1 A; minus strand). Cytogenetic location: 19p13.13.
Variant type: single nucleotide variant.
Coding change: c.3100G>A on transcript NM_001127222.2 (MANE Select); coding-DNA position 3100, G replaced by A.
Protein change: p.Gly1034Ser; replaces glycine 1034 with serine.
Molecular consequence: missense variant.
Genome position (GRCh38, 1-based): chr19:13,286,956, C>T on the plus strand (G>A on the coding strand, the complement: CACNA1A is on the minus strand). VCF-style: chr19-13286956-C-T. GRCh37 (hg19) VCF-style: chr19-13397770-C-T.
Other names: c.3112G>A, p.Gly1038Ser (NM_000068.4, NM_023035.3); c.3103G>A, p.Gly1035Ser (NM_001127221.2, NM_001174080.2); short protein forms G1035S, G1034S, G1038S.
Identifiers: ClinVar variation 641156 (VCV000641156.5), dbSNP rs1600246766, ClinGen allele CA404342058.